The following is an entry in ClinVar:

NM_000535.7(PMS2):c.94G>A (p.Val32Ile)

Gene: PMS2 (PMS1 homolog 2, mismatch repair system component; minus strand). Cytogenetic location: 7p22.1.
Variant type: single nucleotide variant.
Coding change: c.94G>A on transcript NM_000535.7 (MANE Select); coding-DNA position 94, G replaced by A.
Protein change: p.Val32Ile; replaces valine 32 with isoleucine.
Molecular consequence: missense variant. On other transcripts: 5 prime UTR variant (8), non-coding transcript variant (1), intron variant (3).
Genome position (GRCh38, 1-based): chr7:6,005,961, C>T on the plus strand (G>A on the coding strand, the complement: PMS2 is on the minus strand). VCF-style: chr7-6005961-C-T. GRCh37 (hg19) VCF-style: chr7-6045592-C-T.
Other names: c.-312G>A (NM_001322003.2, NM_001322005.2, NM_001322009.2 and 1 more transcripts); c.94G>A, p.Val32Ile (NM_001322006.2, NM_001322014.2); c.-122G>A (NM_001322007.2); c.-791G>A (NM_001322011.2, NM_001322012.2); c.-391G>A (NM_001322015.2); c.-52-1903G>A (NM_001322008.2); c.-242-1903G>A (NM_001322010.2, NM_001322004.2); short protein forms V32I.
Identifiers: ClinVar variation 480355 (VCV000480355.8), dbSNP rs977251189, ClinGen allele CA366745074.

ClinVar aggregate classification (germline): Uncertain significance. Review status: criteria provided, multiple submitters, no conflicts (2 of 4 stars). 2 submissions from 2 submitters: Uncertain significance (2). Last evaluated 2025-10-09.

Conditions:
Hereditary cancer-predisposing syndrome. Also called: Hereditary Cancer Syndrome; Neoplastic Syndromes, Hereditary; Tumor predisposition; Hereditary neoplastic syndrome. Identifiers: Orphanet 140162, MedGen C0027672, MeSH D009386, MONDO:0015356.
Hereditary nonpolyposis colorectal neoplasms. Identifiers: MedGen C0009405, MeSH D003123.

Allele frequency attached by ClinVar (database versions not stated): gnomAD exomes below 0.00001.

Submissions (2):

Ambry Genetics
Classification: Uncertain significance for Hereditary cancer-predisposing syndrome. Last evaluated: 2025-10-09. Review status: criteria provided, single submitter. Criteria: Ambry Variant Classification Scheme 2023. Collection method: clinical testing. Allele origin: germline.
Comment: The p.V32I variant (also known as c.94G>A), located in coding exon 2 of the PMS2 gene, results from a G to A substitution at nucleotide position 94. The valine at codon 32 is replaced by isoleucine, an amino acid with highly similar properties. This amino acid position is highly conserved in available vertebrate species. In addition, the in silico prediction for this alteration is inconclusive. Since supporting evidence is limited at this time, the clinical significance of this alteration remains unclear.

Labcorp Genetics (formerly Invitae), Labcorp
Classification: Uncertain significance for Hereditary nonpolyposis colorectal neoplasms. Last evaluated: 2024-10-09. Review status: criteria provided, single submitter. Criteria: Invitae Variant Classification Sherloc (09022015). Collection method: clinical testing. Allele origin: germline.
Comment: This sequence change replaces valine, which is neutral and non-polar, with isoleucine, which is neutral and non-polar, at codon 32 of the PMS2 protein (p.Val32Ile). This variant is not present in population databases (gnomAD no frequency). This variant has not been reported in the literature in individuals affected with PMS2-related conditions. ClinVar contains an entry for this variant (Variation ID: 480355). Invitae Evidence Modeling incorporating data from in vitro experimental studies (internal data) indicates that this missense variant is not expected to disrupt PMS2 function with a negative predictive value of 95%. In summary, the available evidence is currently insufficient to determine the role of this variant in disease. Therefore, it has been classified as a Variant of Uncertain Significance.